The following is an entry in ClinVar:

NM_000520.6(HEXA):c.797G>A (p.Trp266Ter)

Gene: HEXA (hexosaminidase subunit alpha; minus strand). Cytogenetic location: 15q23.
Variant type: single nucleotide variant.
Coding change: c.797G>A on transcript NM_000520.6 (MANE Select); coding-DNA position 797, G replaced by A.
Protein change: p.Trp266Ter; replaces tryptophan 266 with a stop codon.
Molecular consequence: nonsense. On other transcripts: non-coding transcript variant (1).
Genome position (GRCh38, 1-based): chr15:72,350,526, C>T on the plus strand (G>A on the coding strand, the complement: HEXA is on the minus strand). VCF-style: chr15-72350526-C-T. GRCh37 (hg19) VCF-style: chr15-72642867-C-T.
Other names: c.830G>A, p.Trp277Ter (NM_001318825.2); c.797G>A (NM_000520.5); short protein forms W277*, W266*.
Identifiers: ClinVar variation 2764269 (VCV002764269.4), dbSNP rs2542526228, ClinGen allele CA393063003.

ClinVar aggregate classification (germline): Pathogenic/Likely pathogenic. Review status: criteria provided, multiple submitters, no conflicts (2 of 4 stars). 2 submissions from 2 submitters: Pathogenic (1); Likely pathogenic (1). Last evaluated 2025-09-11.

Conditions:
Tay-Sachs disease (TSD). Also called: HEXA Disorders; HEXA DEFICIENCY; GM2 gangliosidosis, type 1; Hexosaminidase alpha-subunit deficiency (variant B); Sphingolipidosis, Tay-Sachs; Hexosaminidase A Deficiency. Identifiers: Orphanet 845, MedGen C0039373, MONDO:0010100, OMIM 272800.

Submissions (2):

Natera, Inc.
Classification: Likely pathogenic for Tay-Sachs disease. Last evaluated: 2025-09-11. Review status: criteria provided, single submitter. Criteria: Natera Variant Classification Schema (03/2026). Collection method: clinical testing. Allele origin: germline.
Comment: The c.797G>A variant in HEXA is a nonsense variant predicted to introduce a stop codon at amino acid 266. This variant is expected to result in nonsense mediated decay, truncation, or a dysfunctional protein product. This variant is rare in the general population with a frequency below the threshold expected for the associated phenotype(s). Given the available evidence, this variant is classified as Likely Pathogenic.

Labcorp Genetics (formerly Invitae), Labcorp
Classification: Pathogenic for Tay-Sachs disease. Last evaluated: 2023-09-29. Review status: criteria provided, single submitter. Criteria: Invitae Variant Classification Sherloc (09022015). Collection method: clinical testing. Allele origin: germline.
Comment: For these reasons, this variant has been classified as Pathogenic. This variant has not been reported in the literature in individuals affected with HEXA-related conditions. This variant is not present in population databases (gnomAD no frequency). This sequence change creates a premature translational stop signal (p.Trp266*) in the HEXA gene. It is expected to result in an absent or disrupted protein product. Loss-of-function variants in HEXA are known to be pathogenic (PMID: 1833974, 8490625).

Literature cited by the submitters: PubMed 1833974 (cited by Labcorp Genetics (formerly Invitae), Labcorp); PubMed 8490625 (cited by Labcorp Genetics (formerly Invitae), Labcorp).